The following is an entry in ClinVar:

NM_001159699.2(FHL1):c.803G>A (p.Cys268Tyr)

Gene: FHL1 (four and a half LIM domains 1; plus strand). Cytogenetic location: Xq26.3.
Variant type: single nucleotide variant.
Coding change: c.803G>A on transcript NM_001159699.2 (MANE Select); coding-DNA position 803, G replaced by A.
Protein change: p.Cys268Tyr; replaces cysteine 268 with tyrosine.
Molecular consequence: missense variant. On other transcripts: non-coding transcript variant (1).
Genome position (GRCh38, 1-based): chrX:136,209,937, G>A. VCF-style: chrX-136209937-G-A. GRCh37 (hg19) VCF-style: chrX-135292096-G-A.
Other names: c.755G>A, p.Cys252Tyr (NM_001159700.2, NM_001159704.1, NM_001167819.1 and 4 more transcripts); c.842G>A, p.Cys281Tyr (NM_001159701.2); c.955G>A, p.Ala319Thr (NM_001159702.3, NM_001369326.1, NM_001369327.2 and 1 more transcripts); c.568G>A, p.Ala190Thr (NM_001159703.2); c.616G>A, p.Ala206Thr (NM_001330659.2); short protein forms A319T, C252Y, C268Y, A206T, A190T, C281Y.
Identifiers: ClinVar variation 578144 (VCV000578144.12), dbSNP rs1569530823, ClinGen allele CA414609761.
Genomic context (GRCh38, chrX:136,209,937, plus strand): 5'-GTAAAGGCTCCAGTGTGGTGGCCTATGAAGGACAATCCTGGCACGACTACTGCTTCCACT[G>A]CAAAAAATGCTCCGTGAATCTGGCCAACAAGCGCTTTGTTTTCCACCAGGAGCAAGTGTA-3'
Protein context (NP_001153171.1, residues 258-278): GQSWHDYCFH[Cys268Tyr]KKCSVNLANK

ClinVar aggregate classification (germline): Uncertain significance. Review status: criteria provided, multiple submitters, no conflicts (2 of 4 stars). 3 submissions from 3 submitters: Uncertain significance (3). Last evaluated 2025-03-20.

Conditions:
X-linked myopathy with postural muscle atrophy. Also called: FHL1-Related Emery-Dreifuss Muscular Dystrophy, X-Linked. Identifiers: Orphanet 178461, MedGen C2678055, MONDO:0010401, OMIM 300696.

Allele frequency attached by ClinVar (database versions not stated): gnomAD exomes below 0.00001.

Submissions (3):

GeneDx
Classification: Uncertain significance. Last evaluated: 2025-03-20. Review status: criteria provided, single submitter. Criteria: GeneDx Variant Classification Process June 2021. Collection method: clinical testing. Allele origin: germline. Affected: yes.
Comment: Not observed at significant frequency in large population cohorts (gnomAD); In silico analysis supports that this missense variant has a deleterious effect on protein structure/function; Has not been previously published as pathogenic or benign to our knowledge

Labcorp Genetics (formerly Invitae), Labcorp
Classification: Uncertain significance for X-linked myopathy with postural muscle atrophy. Last evaluated: 2025-02-12. Review status: criteria provided, single submitter. Criteria: Invitae Variant Classification Sherloc (09022015). Collection method: clinical testing. Allele origin: germline.
Comment: This sequence change replaces cysteine, which is neutral and slightly polar, with tyrosine, which is neutral and polar, at codon 252 of the FHL1 protein (p.Cys252Tyr). This variant is not present in population databases (gnomAD no frequency). This variant has not been reported in the literature in individuals affected with FHL1-related conditions. ClinVar contains an entry for this variant (Variation ID: 578144). An algorithm developed to predict the effect of missense changes on protein structure and function (PolyPhen-2) suggests that this variant is likely to be disruptive. In summary, the available evidence is currently insufficient to determine the role of this variant in disease. Therefore, it has been classified as a Variant of Uncertain Significance.

Revvity Omics, Revvity
Classification: Uncertain significance. Last evaluated: 2019-03-14. Review status: criteria provided, single submitter. Criteria: ACMG Guidelines, 2015. Collection method: clinical testing. Allele origin: germline.